The following is an entry in ClinVar:

ClinVar aggregate classification (germline): Pathogenic (1 of 4 stars; one submission).

Conditions:
Fanconi anemia (FA). Also called: Fanconi's anemia. Identifiers: Orphanet 84, MedGen C0015625, MeSH D005199, MONDO:0019391.

Allele frequency attached by ClinVar (database versions not stated): gnomAD exomes below 0.00001.
gnomAD v4.1: 3 of 1,610,886 alleles (0.00019%); highest among the groups gnomAD compares: Non-Finnish European, 0.00025%; no homozygotes.

Submission:

Labcorp Genetics (formerly Invitae), Labcorp
Classification: Pathogenic for Fanconi anemia. Last evaluated: 2023-06-18. Review status: criteria provided, single submitter. Criteria: Invitae Variant Classification Sherloc (09022015). Collection method: clinical testing. Allele origin: germline.
Comment: This sequence change creates a premature translational stop signal (p.Gln609*) in the FANCD2 gene. It is expected to result in an absent or disrupted protein product. Loss-of-function variants in FANCD2 are known to be pathogenic (PMID: 17436244). This variant is present in population databases (no rsID available, gnomAD 0.0009%). This variant has not been reported in the literature in individuals affected with FANCD2-related conditions. ClinVar contains an entry for this variant (Variation ID: 1450768). For these reasons, this variant has been classified as Pathogenic.

Literature cited by the submitters: PubMed 17436244.

NM_001018115.3(FANCD2):c.1825C>T (p.Gln609Ter)

Genes: FANCD2 (FA complementation group D2; plus strand), LOC107303338 (3p25 FANCD2 Alu-mediated recombination region; plus strand). Cytogenetic location: 3p25.3.
Variant type: single nucleotide variant.
Coding change: c.1825C>T on transcript NM_001018115.3 (MANE Select); coding-DNA position 1825, C replaced by T.
Protein change: p.Gln609Ter; replaces glutamine 609 with a stop codon.
Molecular consequence: nonsense.
Genome position (GRCh38, 1-based): chr3:10,062,209, C>T. VCF-style: chr3-10062209-C-T. GRCh37 (hg19) VCF-style: chr3-10103893-C-T.
Other names: c.1825C>T, p.Gln609Ter (NM_001319984.2, NM_001374254.1, NM_033084.6); c.1714C>T, p.Gln572Ter (NM_001374253.1); short protein forms Q572*, Q609*.
Identifiers: ClinVar variation 1450768 (VCV001450768.6), dbSNP rs1247410343, ClinGen allele CA351728805.